The following is an entry in ClinVar:

NM_001042492.3(NF1):c.1277G>A (p.Trp426Ter)

Gene: NF1 (neurofibromin 1; plus strand). Cytogenetic location: 17q11.2.
Variant type: single nucleotide variant.
Coding change: c.1277G>A on transcript NM_001042492.3 (MANE Select); coding-DNA position 1277, G replaced by A.
Protein change: p.Trp426Ter; replaces tryptophan 426 with a stop codon.
Molecular consequence: nonsense.
Genome position (GRCh38, 1-based): chr17:31,206,256, G>A. VCF-style: chr17-31206256-G-A. GRCh37 (hg19) VCF-style: chr17-29533274-G-A.
Other names: c.1277G>A, p.Trp426Ter (NM_000267.4, NM_001128147.3); short protein forms W426*.
Identifiers: ClinVar variation 2099056 (VCV002099056.7), dbSNP rs2143913707, ClinGen allele CA398999125.
Genomic context (GRCh38, chr17:31,206,256, plus strand): 5'-TAATTTTGTACTTTTTCTTCCTATTGGTCTTTGTTTTTCTCTAGTCCGCATTGGATTGGT[G>A]GCCTAAGATTGATGCTGTGTATTGTCACTCGGTTGAACTTCGAAATATGTTTGGTGAAAC-3'

ClinVar aggregate classification (germline): Pathogenic. Review status: criteria provided, multiple submitters, no conflicts (2 of 4 stars). 3 submissions from 3 submitters: Pathogenic (2). 1 of the submissions does not count toward it. Last evaluated 2025-03-22.
ClinVar aggregate classification (oncogenicity): Likely oncogenic (1 of 4 stars; one submission).

Conditions:
Neurofibromatosis, type 1 (NF1). Also called: VON RECKLINGHAUSEN DISEASE; NEUROFIBROMATOSIS, TYPE I, SOMATIC; Neurofibromatosis, type I; Peripheral type neurofibromatosis. Identifiers: Orphanet 636, MedGen C0027831, MONDO:0018975, OMIM 162200. Disease mechanism: loss of function.
Neurofibromatosis-Noonan syndrome (NFNS). Also called: NEUROFIBROMATOSIS WITH NOONAN PHENOTYPE. Identifiers: Orphanet 638, MedGen C2931482, MONDO:0011035, OMIM 601321. Disease mechanism: loss of function.
NF1-related disorder. Also called: NF1-related condition. Identifiers: MedGen CN379171.
Neoplasm. Also called: tumor; Neoplasms; Neoplasm (disease). Identifiers: MedGen C0027651, MeSH D009369, MONDO:0005070, HP:0002664.

Submissions (4):

Center for Genomic Medicine, Rigshospitalet, Copenhagen University Hospital
Classification: Likely oncogenic for Neoplasm. Last evaluated: 2026-10-16. Review status: criteria provided, single submitter. Criteria: ClinGen/CGC/VICC Guidelines for Oncogenicity, 2022. Collection method: clinical testing. Allele origin: somatic. Affected: yes.

Labcorp Genetics (formerly Invitae), Labcorp
Classification: Pathogenic for Neurofibromatosis, type 1. Last evaluated: 2025-03-22. Review status: criteria provided, single submitter. Criteria: Invitae Variant Classification Sherloc (09022015). Collection method: clinical testing. Allele origin: germline.
Comment: This sequence change creates a premature translational stop signal (p.Trp426*) in the NF1 gene. It is expected to result in an absent or disrupted protein product. Loss-of-function variants in NF1 are known to be pathogenic (PMID: 10712197, 23913538). This variant is not present in population databases (gnomAD no frequency). This premature translational stop signal has been observed in individual(s) with neurofibromatosis type 1 (PMID: 16944272, 26969325). ClinVar contains an entry for this variant (Variation ID: 2099056). For these reasons, this variant has been classified as Pathogenic.

3billion
Classification: Pathogenic for Neurofibromatosis-Noonan syndrome. Last evaluated: 2025-02-24. Review status: criteria provided, single submitter. Criteria: ACMG Guidelines, 2015. Collection method: clinical testing. Allele origin: germline. Affected: yes.
Comment: The variant is not observed in the gnomAD v4.1.0 dataset. Predicted Consequence/Location: Stop-gained (nonsense): predicted to result in a loss or disruption of normal protein function through nonsense-mediated decay (NMD) or protein truncation. Multiple pathogenic variants are reported downstream of the variant. The variant has been reported to be associated with NF1-related disorder (ClinVar ID: VCV002099056). Therefore, this variant is classified as Pathogenic according to the recommendation of ACMG/AMP guideline.

PreventionGenetics, part of Exact Sciences
Classification: Pathogenic for NF1-related condition. Last evaluated: 2024-09-25. Review status: no assertion criteria provided. Collection method: clinical testing. Allele origin: germline. Not counted in ClinVar's aggregate classification.
Comment: The NF1 c.1277G>A variant is predicted to result in premature protein termination (p.Trp426*). This variant has been reported in multiple individuals with neurofibromatosis type 1 (see for example - Griffiths et al. 2007. PubMed ID: 16944272). This variant has not been reported in a large population database, indicating this variant is rare. Nonsense variants in NF1 are expected to be pathogenic. This variant is interpreted as pathogenic.

Literature cited by the submitters: PubMed 10712197 (cited by Labcorp Genetics (formerly Invitae), Labcorp); PubMed 23913538 (cited by Labcorp Genetics (formerly Invitae), Labcorp); PubMed 16944272 (cited by Labcorp Genetics (formerly Invitae), Labcorp); PubMed 26969325 (cited by Labcorp Genetics (formerly Invitae), Labcorp).